The following is an entry in ClinVar:

NM_000051.4(ATM):c.2232A>T (p.Glu744Asp)

Gene: ATM (ATM serine/threonine kinase; plus strand). Cytogenetic location: 11q22.3.
Variant type: single nucleotide variant.
Coding change: c.2232A>T on transcript NM_000051.4 (MANE Select); coding-DNA position 2232, A replaced by T.
Protein change: p.Glu744Asp; replaces glutamic acid 744 with aspartic acid.
Molecular consequence: missense variant.
Genome position (GRCh38, 1-based): chr11:108,256,322, A>T. VCF-style: chr11-108256322-A-T. GRCh37 (hg19) VCF-style: chr11-108127049-A-T.
Other names: c.2232A>T, p.Glu744Asp (NM_001351834.2); short protein forms E744D.
Identifiers: ClinVar variation 953865 (VCV000953865.3), dbSNP rs2080482588, ClinGen allele CA382539190.

ClinVar aggregate classification (germline): Uncertain significance (1 of 4 stars; one submission).

Conditions:
Ataxia-telangiectasia syndrome (AT). Also called: LOUIS-BAR SYNDROME; Ataxia telangiectasia (A-T); Cerebello-oculocutaneous telangiectasia; Immunodeficiency with ataxia telangiectasia; ATAXIA-TELANGIECTASIA, COMPLEMENTATION GROUP A; ATAXIA-TELANGIECTASIA, FRESNO VARIANT. Identifiers: Orphanet 100, MedGen C0004135, MONDO:0008840, OMIM 208900.

Submission:

Labcorp Genetics (formerly Invitae), Labcorp
Classification: Uncertain significance for Ataxia-telangiectasia syndrome. Last evaluated: 2024-06-13. Review status: criteria provided, single submitter. Criteria: Invitae Variant Classification Sherloc (09022015). Collection method: clinical testing. Allele origin: germline.
Comment: This sequence change replaces glutamic acid, which is acidic and polar, with aspartic acid, which is acidic and polar, at codon 744 of the ATM protein (p.Glu744Asp). This variant is not present in population databases (gnomAD no frequency). This variant has not been reported in the literature in individuals affected with ATM-related conditions. ClinVar contains an entry for this variant (Variation ID: 953865). An algorithm developed to predict the effect of missense changes on protein structure and function (PolyPhen-2) suggests that this variant is likely to be tolerated. In summary, the available evidence is currently insufficient to determine the role of this variant in disease. Therefore, it has been classified as a Variant of Uncertain Significance.